The following is an entry in ClinVar:

ClinVar aggregate classification (germline): Uncertain significance (1 of 4 stars; one submission).

Conditions:
Brugada syndrome 8 (BRGDA8). Identifiers: Orphanet 130, MedGen C2751083, MONDO:0013148, OMIM 613123.

Allele frequency attached by ClinVar (database versions not stated): gnomAD exomes below 0.00001.
gnomAD v4.1: 1 of 1,605,234 alleles (0.000062%); highest among the groups gnomAD compares: Non-Finnish European, 0.000085%; no homozygotes.

Submission:

Labcorp Genetics (formerly Invitae), Labcorp
Classification: Uncertain significance for Brugada syndrome 8. Last evaluated: 2019-12-06. Review status: criteria provided, single submitter. Criteria: Invitae Variant Classification Sherloc (09022015). Collection method: clinical testing. Allele origin: germline.
Comment: This sequence change replaces alanine with threonine at codon 784 of the HCN4 protein (p.Ala784Thr). The alanine residue is highly conserved and there is a small physicochemical difference between alanine and threonine. This variant is not present in population databases (ExAC no frequency). This variant has not been reported in the literature in individuals with HCN4-related conditions. In summary, the available evidence is currently insufficient to determine the role of this variant in disease. Therefore, it has been classified as a Variant of Uncertain Significance.

NM_005477.3(HCN4):c.2350G>A (p.Ala784Thr)

Gene: HCN4 (hyperpolarization activated cyclic nucleotide gated potassium channel 4; minus strand). Cytogenetic location: 15q24.1.
Variant type: single nucleotide variant.
Coding change: c.2350G>A on transcript NM_005477.3 (MANE Select); coding-DNA position 2350, G replaced by A.
Protein change: p.Ala784Thr; replaces alanine 784 with threonine.
Molecular consequence: missense variant.
Genome position (GRCh38, 1-based): chr15:73,323,743, C>T on the plus strand (G>A on the coding strand, the complement: HCN4 is on the minus strand). VCF-style: chr15-73323743-C-T. GRCh37 (hg19) VCF-style: chr15-73616084-C-T.
Other names: short protein forms A784T.
Identifiers: ClinVar variation 851506 (VCV000851506.1), dbSNP rs1453283899, ClinGen allele CA393089061.